The following is an entry in ClinVar:

ClinVar aggregate classification (germline): Uncertain significance (1 of 4 stars; one submission).

Submission:

Labcorp Genetics (formerly Invitae), Labcorp
Classification: Uncertain significance. Last evaluated: 2021-08-27. Review status: criteria provided, single submitter. Criteria: Invitae Variant Classification Sherloc (09022015). Collection method: clinical testing. Allele origin: germline.
Comment: Algorithms developed to predict the effect of missense changes on protein structure and function are either unavailable or do not agree on the potential impact of this missense change (SIFT: "Not Available"; PolyPhen-2: "Benign"; Align-GVGD: "Not Available"). In summary, the available evidence is currently insufficient to determine the role of this variant in disease. Therefore, it has been classified as a Variant of Uncertain Significance. This variant has not been reported in the literature in individuals affected with ITGAM-related conditions. The frequency data for this variant in the population databases is not available, as this variant may be reported as separate entries in the ExAC database. This sequence change replaces proline with leucine at codon 1147 of the ITGAM protein (p.Pro1147Leu). The proline residue is weakly conserved and there is a moderate physicochemical difference between proline and leucine.

NM_000632.4(ITGAM):c.3440_3441delinsTT (p.Pro1147Leu)

Gene: ITGAM (integrin subunit alpha M; plus strand). Cytogenetic location: 16p11.2.
Variant type: Indel.
Coding change: c.3440_3441delinsTT on transcript NM_000632.4 (MANE Select); coding-DNA positions 3440 to 3441, CG replaced by TT.
Protein change: p.Pro1147Leu; replaces proline 1147 with leucine.
Molecular consequence: missense variant.
Genome position (GRCh38, 1-based): chr16:31,331,688-31,331,689, CG replaced by TT. VCF-style: chr16-31331688-CG-TT. GRCh37 (hg19) VCF-style: chr16-31343009-CG-TT.
Other names: c.3443_3444delinsTT, p.Pro1148Leu (NM_001145808.2); short protein forms P1147L, P1148L.
Identifiers: ClinVar variation 1413562 (VCV001413562.8), dbSNP rs2144514019, ClinGen allele CA2573152380.